The following is an entry in ClinVar:

ClinVar aggregate classification (germline): Uncertain significance (1 of 4 stars; one submission).

Conditions:
Rhabdoid tumor predisposition syndrome 2 (RTPS2). Identifiers: Orphanet 231108, Orphanet 69077, MedGen C2750074, MONDO:0013224, OMIM 613325.

Submission:

Labcorp Genetics (formerly Invitae), Labcorp
Classification: Uncertain significance for Rhabdoid tumor predisposition syndrome 2. Last evaluated: 2024-05-21. Review status: criteria provided, single submitter. Criteria: Invitae Variant Classification Sherloc (09022015). Collection method: clinical testing. Allele origin: germline.
Comment: This sequence change replaces serine, which is neutral and polar, with glycine, which is neutral and non-polar, at codon 695 of the SMARCA4 protein (p.Ser695Gly). This variant is not present in population databases (gnomAD no frequency). This variant has not been reported in the literature in individuals affected with SMARCA4-related conditions. ClinVar contains an entry for this variant (Variation ID: 1025664). Advanced modeling of protein sequence and biophysical properties (such as structural, functional, and spatial information, amino acid conservation, physicochemical variation, residue mobility, and thermodynamic stability) has been performed at Invitae for this missense variant, however the output from this modeling did not meet the statistical confidence thresholds required to predict the impact of this variant on SMARCA4 protein function. In summary, the available evidence is currently insufficient to determine the role of this variant in disease. Therefore, it has been classified as a Variant of Uncertain Significance.

NM_003072.5(SMARCA4):c.2083A>G (p.Ser695Gly)

Gene: SMARCA4 (SWI/SNF related BAF chromatin remodeling complex subunit ATPase 4; plus strand). Cytogenetic location: 19p13.2.
Variant type: single nucleotide variant.
Coding change: c.2083A>G on transcript NM_003072.5 (MANE Select); coding-DNA position 2083, A replaced by G.
Protein change: p.Ser695Gly; replaces serine 695 with glycine.
Molecular consequence: missense variant. On other transcripts: non-coding transcript variant (1).
Genome position (GRCh38, 1-based): chr19:11,007,983, A>G. VCF-style: chr19-11007983-A-G. GRCh37 (hg19) VCF-style: chr19-11118659-A-G.
Other names: c.2083A>G, p.Ser695Gly (NM_001128844.3, NM_001128845.2, NM_001128846.2 and 4 more transcripts); short protein forms S695G.
Identifiers: ClinVar variation 1025664 (VCV001025664.9), dbSNP rs2088404711, ClinGen allele CA404052540.